The following is an entry in ClinVar:

NM_004715.5(CTDP1):c.1066T>C (p.Ser356Pro)

Gene: CTDP1 (CTD phosphatase 1; plus strand). Cytogenetic location: 18q23.
Variant type: single nucleotide variant.
Coding change: c.1066T>C on transcript NM_004715.5 (MANE Select); coding-DNA position 1066, T replaced by C.
Protein change: p.Ser356Pro; replaces serine 356 with proline.
Molecular consequence: missense variant.
Genome position (GRCh38, 1-based): chr18:79,714,526, T>C. VCF-style: chr18-79714526-T-C. GRCh37 (hg19) VCF-style: chr18-77474526-T-C.
Other names: p.Ser356Pro; c.709T>C, p.Ser237Pro (NM_001202504.1); c.1066T>C, p.Ser356Pro (NM_001318511.2, NM_048368.4); short protein forms S356P, S237P.
Identifiers: ClinVar variation 730624 (VCV000730624.17), dbSNP rs139598569, ClinGen allele CA9010199.
Genomic context (GRCh38, chr18:79,714,526, plus strand): 5'-CTTTTCCTTTTGCATGCATATTTAGTAAATCATTCTCGAGGCACTGAGGTCTCAGAGCCA[T>C]CTCCGCCCGTGAGAGACCCTGAGGGGGTAACGCAGGCCCCTGGAGTGGAGCCCAGCAATG-3'
Protein context (NP_004706.3, residues 346-366): HSRGTEVSEP[Ser356Pro]PPVRDPEGVT

ClinVar aggregate classification (germline): Benign/Likely benign. Review status: criteria provided, multiple submitters, no conflicts (2 of 4 stars). 6 submissions from 6 submitters: Benign (2); Likely benign (3). 1 of the submissions does not count toward it. Last evaluated 2025-12-01.

Conditions:
CTDP1-related disorder. Also called: CTDP1-related condition.

Allele frequency attached by ClinVar (database versions not stated): gnomAD exomes 0.00031 and 0.00100; ExAC 0.00123; gnomAD 0.00303 and 0.00322; TOPMed 0.00351; ESP Exome Variant Server 0.00369; 1000 Genomes Project 30x 0.00437; 1000 Genomes Project 0.00439.
gnomAD v4.1: 947 of 1,613,124 alleles (0.059%); highest among the groups gnomAD compares: African/African-American, 1%; 6 homozygotes.

Submissions (6):

CeGaT Center for Human Genetics Tuebingen
Classification: Likely benign. Last evaluated: 2025-12-01. Review status: criteria provided, single submitter. Criteria: CeGaT Center For Human Genetics Tuebingen Variant Classification Criteria Version 2. Collection method: clinical testing. Allele origin: germline. Affected: yes. Observed: 1 variant allele.
Comment: CTDP1: BP4, BS1

Blueprint Genetics
Classification: Likely benign. Last evaluated: 2024-11-27. Review status: criteria provided, single submitter. Criteria: ACMG Guidelines, 2015. Collection method: clinical testing. Allele origin: germline.

GeneDx
Classification: Likely benign. Last evaluated: 2022-09-01. Review status: criteria provided, single submitter. Criteria: GeneDx Variant Classification Process June 2021. Collection method: clinical testing. Allele origin: germline. Affected: yes.
Comment: See Variant Classification Assertion Criteria.

Labcorp Genetics (formerly Invitae), Labcorp
Classification: Benign. Last evaluated: 2019-12-31. Review status: criteria provided, single submitter. Criteria: Invitae Variant Classification Sherloc (09022015). Collection method: clinical testing. Allele origin: germline.

Mayo Clinic Laboratories, Mayo Clinic
Classification: Benign. Last evaluated: 2019-11-27. Review status: criteria provided, single submitter. Criteria: ACMG Guidelines, 2015. Collection method: clinical testing. Allele origin: germline. Observed: 9 variant alleles.

PreventionGenetics, part of Exact Sciences
Classification: Benign for CTDP1-related condition. Last evaluated: 2019-07-08. Review status: no assertion criteria provided. Collection method: clinical testing. Allele origin: germline. Not counted in ClinVar's aggregate classification.
Comment: This variant is classified as benign based on ACMG/AMP sequence variant interpretation guidelines (Richards et al. 2015 PMID: 25741868, with internal and published modifications).